The following is an entry in ClinVar:

NM_016507.4(CDK12):c.2398C>G (p.Leu800Val)

Gene: CDK12 (cyclin dependent kinase 12; plus strand). Cytogenetic location: 17q12.
Variant type: single nucleotide variant.
Coding change: c.2398C>G on transcript NM_016507.4 (MANE Select); coding-DNA position 2398, C replaced by G.
Protein change: p.Leu800Val; replaces leucine 800 with valine.
Molecular consequence: missense variant.
Genome position (GRCh38, 1-based): chr17:39,494,673, C>G. VCF-style: chr17-39494673-C-G. GRCh37 (hg19) VCF-style: chr17-37650926-C-G.
Other names: c.2398C>G, p.Leu800Val (NM_015083.4); short protein forms L800V.
Identifiers: ClinVar variation 4224432 (VCV004224432.1).

ClinVar aggregate classification (germline): Uncertain significance (1 of 4 stars; one submission).

gnomAD v4.1: 2 of 1,577,388 alleles (0.00013%); highest among the groups gnomAD compares: Non-Finnish European, 0.00017%; no homozygotes.

Submission:

Ambry Genetics
Classification: Uncertain significance. Last evaluated: 2025-08-31. Review status: criteria provided, single submitter. Criteria: Ambry Variant Classification Scheme 2023. Collection method: clinical testing. Allele origin: germline.
Comment: The p.L800V variant (also known as c.2398C>G), located in coding exon 5 of the CDK12 gene, results from a C to G substitution at nucleotide position 2398. The leucine at codon 800 is replaced by valine, an amino acid with highly similar properties. This amino acid position is conserved. In addition, this alteration is predicted to be tolerated by in silico analysis. Based on the available evidence, the clinical significance of this variant remains unclear.